The following is an entry in ClinVar:

NM_001271.4(CHD2):c.975del (p.Glu325fs)

Gene: CHD2 (chromodomain helicase DNA binding protein 2; plus strand). Cytogenetic location: 15q26.1.
Variant type: Deletion.
Coding change: c.975del on transcript NM_001271.4 (MANE Select); coding-DNA position 975, one base deleted (A; older notation c.975delA).
Protein change: p.Glu325fs; shifts the reading frame from glutamic acid 325.
Molecular consequence: frameshift variant.
Genome position (GRCh38, 1-based): chr15:92,942,991, A deleted; the last of 2 consecutive A bases (chr15:92,942,990-92,942,991); deleting either gives the same sequence. VCF-style (leftmost placement, unchanged base first): chr15-92942989-GA-G. GRCh37 (hg19) VCF-style: chr15-93486219-GA-G.
Other names: c.975del, p.Glu325fs (NM_001042572.3); short protein forms E325fs.
Identifiers: ClinVar variation 1408540 (VCV001408540.6), dbSNP rs2141787589, ClinGen allele CA2573151502.
Genomic context (GRCh38, chr15:92,942,989, plus strand): 5'-ATCCAGTACCTCATCAAGTGGAAGGGTTGGTCTTACATCCACAGCACATGGGAGAGTGAA[GA>G]ATCCTTACAGCAACAGAAAGTGAAGGGCCTAAAAAAACTAGAGAACTTCAAGAAAAAAGA-3'

ClinVar aggregate classification (germline): Pathogenic (1 of 4 stars; one submission).

Conditions:
Developmental and epileptic encephalopathy 94 (DEE94). Also called: Epileptic encephalopathy, childhood-onset; CHD2-Related Neurodevelopmental Disorders. Identifiers: Orphanet 1942, Orphanet 2382, MedGen C3809278, MONDO:0014150, OMIM 615369.

Submission:

Labcorp Genetics (formerly Invitae), Labcorp
Classification: Pathogenic for Developmental and epileptic encephalopathy 94. Last evaluated: 2024-06-03. Review status: criteria provided, single submitter. Criteria: Invitae Variant Classification Sherloc (09022015). Collection method: clinical testing. Allele origin: germline.
Comment: This sequence change creates a premature translational stop signal (p.Glu325Aspfs*8) in the CHD2 gene. It is expected to result in an absent or disrupted protein product. Loss-of-function variants in CHD2 are known to be pathogenic (PMID: 23708187, 24207121). This variant is not present in population databases (gnomAD no frequency). This variant has not been reported in the literature in individuals affected with CHD2-related conditions. ClinVar contains an entry for this variant (Variation ID: 1408540). For these reasons, this variant has been classified as Pathogenic.

Literature cited by the submitters: PubMed 23708187; PubMed 24207121.